The following is an entry in ClinVar:

NM_018451.5(CPAP):c.3520C>A (p.Pro1174Thr)

Genes: CPAP (centrosome assembly and centriole elongation protein; minus strand), RNF17 (ring finger protein 17; plus strand). Cytogenetic location: 13q12.12.
Variant type: single nucleotide variant.
Coding change: c.3520C>A on transcript NM_018451.5 (MANE Select); coding-DNA position 3520, C replaced by A.
Protein change: p.Pro1174Thr; replaces proline 1174 with threonine.
Molecular consequence: missense variant. On other transcripts: non-coding transcript variant (2).
Genome position (GRCh38, 1-based): chr13:24,884,421, G>T on the plus strand (C>A on the coding strand, the complement: CPAP is on the minus strand). VCF-style: chr13-24884421-G-T. GRCh37 (hg19) VCF-style: chr13-25458559-G-T.
Other names: short protein forms P1174T.
Identifiers: ClinVar variation 1399730 (VCV001399730.3), dbSNP rs148716987, ClinGen allele CA6919247.
Genomic context (GRCh38, chr13:24,884,421, plus strand): 5'-TAAAGAAAGTGACAGTGATGGTCTTCCCATCTGCACTCACTTCCTTTCGAGTTCCATTGG[G>T]AAACAGTATAACACGGCACCCATTCTTATAAACCTTTTCCACCTAAAAAACCAACACAAG-3'
Protein context (NP_060921.3, residues 1164-1184): YKNGCRVILF[Pro1174Thr]NGTRKEVSAD

ClinVar aggregate classification (germline): Uncertain significance (1 of 4 stars; one submission).

Allele frequency attached by ClinVar (database versions not stated): TOPMed 0.00008; gnomAD 0.00011 and 0.00017; ExAC 0.00012; ESP Exome Variant Server 0.00023; 1000 Genomes Project 30x 0.00219; 1000 Genomes Project 0.00280.
gnomAD v4.1: 73 of 1,614,026 alleles (0.0045%); highest among the groups gnomAD compares: African/African-American, 0.081%; 3 homozygotes.

Submission:

Labcorp Genetics (formerly Invitae), Labcorp
Classification: Uncertain significance. Last evaluated: 2022-08-16. Review status: criteria provided, single submitter. Criteria: Invitae Variant Classification Sherloc (09022015). Collection method: clinical testing. Allele origin: germline.
Comment: This sequence change replaces proline, which is neutral and non-polar, with threonine, which is neutral and polar, at codon 1174 of the CENPJ protein (p.Pro1174Thr). This variant is present in population databases (rs148716987, gnomAD 0.07%), including at least one homozygous and/or hemizygous individual. This variant has not been reported in the literature in individuals affected with CENPJ-related conditions. ClinVar contains an entry for this variant (Variation ID: 1399730). Algorithms developed to predict the effect of missense changes on protein structure and function are either unavailable or do not agree on the potential impact of this missense change (SIFT: "Deleterious"; PolyPhen-2: "Possibly Damaging"; Align-GVGD: "Class C0"). In summary, the available evidence is currently insufficient to determine the role of this variant in disease. Therefore, it has been classified as a Variant of Uncertain Significance.